The following is an entry in ClinVar:

ClinVar aggregate classification (germline): Conflicting classifications of pathogenicity. Review status: criteria provided, conflicting classifications (1 of 4 stars). 2 submissions from 2 submitters: Uncertain significance (1); Likely benign (1). Last evaluated 2025-08-11.

Conditions:
Spastic paraplegia. Identifiers: MedGen C0037772, HP:0001258.

Allele frequency attached by ClinVar (database versions not stated): ExAC 0.00001.
gnomAD v4.1: 21 of 1,613,746 alleles (0.0013%); highest among the groups gnomAD compares: East Asian, 0.0089%; no homozygotes.

Submissions (2):

Mayo Clinic Laboratories, Mayo Clinic
Classification: Uncertain significance. Last evaluated: 2025-08-11. Review status: criteria provided, single submitter. Criteria: ACMG Guidelines, 2015. Collection method: clinical testing. Allele origin: germline. Observed: 1 variant allele.
Comment: PM2_supporting

Labcorp Genetics (formerly Invitae), Labcorp
Classification: Likely benign for Spastic paraplegia. Last evaluated: 2023-06-14. Review status: criteria provided, single submitter. Criteria: Invitae Variant Classification Sherloc (09022015). Collection method: clinical testing. Allele origin: germline.

NM_014363.6(SACS):c.6641G>A (p.Arg2214His)

Gene: SACS (sacsin molecular chaperone; minus strand). Cytogenetic location: 13q12.12.
Variant type: single nucleotide variant.
Coding change: c.6641G>A on transcript NM_014363.6 (MANE Select); coding-DNA position 6641, G replaced by A.
Protein change: p.Arg2214His; replaces arginine 2214 with histidine.
Molecular consequence: missense variant.
Genome position (GRCh38, 1-based): chr13:23,337,235, C>T on the plus strand (G>A on the coding strand, the complement: SACS is on the minus strand). VCF-style: chr13-23337235-C-T. GRCh37 (hg19) VCF-style: chr13-23911374-C-T.
Other names: p.Arg2214His; c.6200G>A, p.Arg2067His (NM_001278055.2); short protein forms R2067H, R2214H.
Identifiers: ClinVar variation 2074013 (VCV002074013.5), dbSNP rs765977497, ClinGen allele CA6911048.
Genomic context (GRCh38, chr13:23,337,235, plus strand): 5'-AAACTGTTGCCTTTCCAGTCCAAAGAAAAACCTGCTGGTTTTGTCAGAAATGGAAGGAAG[C>T]GGATTGTTTGATATTTTGCAGCAAAATCCTTTGCTCTAGGATCCCTTATTTTTAGTTTCT-3'
Protein context (NP_055178.3, residues 2204-2224): KDFAAKYQTI[Arg2214His]FLPFLTKPAG